The following is an entry in ClinVar:

ClinVar aggregate classification (germline): Uncertain significance (1 of 4 stars; one submission).

gnomAD v4.1: 1 of 1,613,982 alleles (0.000062%); highest among the groups gnomAD compares: African/African-American, 0.0013%; no homozygotes.

Submission:

Women's Health and Genetics/Laboratory Corporation of America, LabCorp
Classification: Uncertain significance. Last evaluated: 2026-06-16. Review status: criteria provided, single submitter. Criteria: LabCorp Variant Classification Summary - May 2015. Collection method: clinical testing. Allele origin: germline.
Comment: Variant summary: SATB2 c.409G>A (p.Ala137Thr) results in a non-conservative amino acid change in the encoded protein sequence. Algorithms developed to predict the effect of missense changes on protein structure and function are either unavailable or do not agree on the potential impact of this missense change. The variant was absent in 251344 control chromosomes. The available data on variant occurrences in the general population are insufficient to allow any conclusion about variant significance. To our knowledge, no occurrence of c.409G>A in individuals affected with SATB2-related conditions and no experimental evidence demonstrating its impact on protein function have been reported. No submitters have cited clinical-significance assessments for this variant to ClinVar. Based on the evidence outlined above, the variant was classified as uncertain significance.

NM_001172509.2(SATB2):c.409G>A (p.Ala137Thr)

Gene: SATB2 (SATB homeobox 2; minus strand). Cytogenetic location: 2q33.1.
Variant type: single nucleotide variant.
Coding change: c.409G>A on transcript NM_001172509.2 (MANE Select); coding-DNA position 409, G replaced by A.
Protein change: p.Ala137Thr; replaces alanine 137 with threonine.
Molecular consequence: missense variant.
Genome position (GRCh38, 1-based): chr2:199,381,758, C>T on the plus strand (G>A on the coding strand, the complement: SATB2 is on the minus strand). VCF-style: chr2-199381758-C-T. GRCh37 (hg19) VCF-style: chr2-200246481-C-T.
Other names: c.409G>A, p.Ala137Thr (NM_001172517.1, NM_015265.4); short protein forms A137T.
Identifiers: ClinVar variation 4887219 (VCV004887219.1).